The following is an entry in ClinVar:

ClinVar aggregate classification (germline): Likely benign. Review status: criteria provided, multiple submitters, no conflicts (2 of 4 stars). 2 submissions from 2 submitters: Likely benign (2). Last evaluated 2025-10-31.

Conditions:
Hypertrophic cardiomyopathy. Also called: HYPERTROPHIC MYOCARDIOPATHY. Identifiers: Orphanet 217569, MedGen C0007194, MeSH D002312, MONDO:0005045, HP:0001639.

Allele frequency attached by ClinVar (database versions not stated): gnomAD 0.00001 and 0.00003; TOPMed 0.00002; gnomAD exomes 0.00003 and 0.00009; ExAC 0.00011.
gnomAD v4.1: 53 of 1,605,586 alleles (0.0033%); highest among the groups gnomAD compares: South Asian, 0.025%; no homozygotes.

Submissions (2):

Labcorp Genetics (formerly Invitae), Labcorp
Classification: Likely benign for Hypertrophic cardiomyopathy. Last evaluated: 2025-10-31. Review status: criteria provided, single submitter. Criteria: Invitae Variant Classification Sherloc (09022015). Collection method: clinical testing. Allele origin: germline.

Laboratory for Molecular Medicine, Mass General Brigham Personalized Medicine
Classification: Likely benign. Last evaluated: 2013-08-07. Review status: criteria provided, single submitter. Criteria: LMM Criteria. Collection method: clinical testing. Allele origin: germline. Observed: 1 variant allele.
Comment: 3814+14G>A in intron 33 of MYBPC3: This variant is not expected to have clinical significance because it is not located within the splice consensus sequence. 3 814+14G>A in intron 33 of MYBPC3 (allele frequency = n/a)

NM_000256.3(MYBPC3):c.3814+14G>A

Gene: MYBPC3 (myosin binding protein C3; minus strand). Cytogenetic location: 11p11.2.
Variant type: single nucleotide variant.
Coding change: c.3814+14G>A on transcript NM_000256.3 (MANE Select); 14 bases into the intron after coding-DNA position 3814, G replaced by A.
Molecular consequence: intron variant.
Genome position (GRCh38, 1-based): chr11:47,332,058, C>T on the plus strand (G>A on the coding strand, the complement: MYBPC3 is on the minus strand). VCF-style: chr11-47332058-C-T. GRCh37 (hg19) VCF-style: chr11-47353609-C-T.
Identifiers: ClinVar variation 179135 (VCV000179135.11), dbSNP rs727504656, ClinGen allele CA014963.